The following is an entry in ClinVar:

ClinVar aggregate classification (germline): Uncertain significance (1 of 4 stars; one submission).

gnomAD v4.1: 16 of 1,612,978 alleles (0.00099%); highest among the groups gnomAD compares: South Asian, 0.0099%; no homozygotes.

Submission:

CeGaT Center for Human Genetics Tuebingen
Classification: Uncertain significance. Last evaluated: 2026-09-01. Review status: criteria provided, single submitter. Criteria: CeGaT Center For Human Genetics Tuebingen Variant Classification Criteria Version 2. Collection method: clinical testing. Allele origin: germline. Affected: yes. Observed: 1 variant allele.
Comment: CCDC88C: PM2, BP4

NM_001080414.4(CCDC88C):c.4496G>A (p.Arg1499His)

Gene: CCDC88C (coiled-coil and HOOK domain protein 88C; minus strand). Cytogenetic location: 14q32.11.
Variant type: single nucleotide variant.
Coding change: c.4496G>A on transcript NM_001080414.4 (MANE Select); coding-DNA position 4496, G replaced by A.
Protein change: p.Arg1499His; replaces arginine 1499 with histidine.
Molecular consequence: missense variant. On other transcripts: non-coding transcript variant (2).
Genome position (GRCh38, 1-based): chr14:91,283,463, C>T on the plus strand (G>A on the coding strand, the complement: CCDC88C is on the minus strand). VCF-style: chr14-91283463-C-T. GRCh37 (hg19) VCF-style: chr14-91749807-C-T.
Other names: short protein forms R1499H.
Identifiers: ClinVar variation 5041253 (VCV005041253.1).